The following is an entry in ClinVar:

ClinVar aggregate classification (germline): Uncertain significance (1 of 4 stars; one submission).

Submission:

GeneDx
Classification: Uncertain significance. Last evaluated: 2025-05-16. Review status: criteria provided, single submitter. Criteria: GeneDx Variant Classification Process June 2021. Collection method: clinical testing. Allele origin: germline. Affected: yes.
Comment: Not observed at significant frequency in large population cohorts (gnomAD); In silico analysis supports that this missense variant has a deleterious effect on protein structure/function; Has not been previously published as pathogenic or benign to our knowledge

NM_001127222.2(CACNA1A):c.428T>A (p.Ile143Asn)

Gene: CACNA1A (calcium voltage-gated channel subunit alpha1 A; minus strand). Cytogenetic location: 19p13.13.
Variant type: single nucleotide variant.
Coding change: c.428T>A on transcript NM_001127222.2 (MANE Select); coding-DNA position 428, T replaced by A.
Protein change: p.Ile143Asn; replaces isoleucine 143 with asparagine.
Molecular consequence: missense variant.
Genome position (GRCh38, 1-based): chr19:13,452,987, A>T on the plus strand (T>A on the coding strand, the complement: CACNA1A is on the minus strand). VCF-style: chr19-13452987-A-T. GRCh37 (hg19) VCF-style: chr19-13563801-A-T.
Other names: c.428T>A, p.Ile143Asn (NM_000068.4, NM_001127221.2, NM_001174080.2 and 1 more transcripts); short protein forms I143N.
Identifiers: ClinVar variation 1308955 (VCV001308955.3), dbSNP rs2144936410, ClinGen allele CA404967658.
Genomic context (GRCh38, chr19:13,452,987, plus strand): 5'-GAGCCTTTGTGGAAGGCAAACCCAAGGGCAATGATTTTAATTCCAGCCTCGAAACAAAAA[A>T]TTCCAATGAAGTATGGTTCTGTGTCATCCTGGAAGGGAGAGAAGGCAAGGTCAGCGTCTT-3'
Protein context (NP_001120694.1, residues 133-153): LDDTEPYFIG[Ile143Asn]FCFEAGIKII